The following is an entry in ClinVar:

NM_024675.4(PALB2):c.2411C>T (p.Ser804Phe)

Gene: PALB2 (partner and localizer of BRCA2; minus strand). Cytogenetic location: 16p12.2.
Variant type: single nucleotide variant.
Coding change: c.2411C>T on transcript NM_024675.4 (MANE Select); coding-DNA position 2411, C replaced by T.
Protein change: p.Ser804Phe; replaces serine 804 with phenylalanine.
Molecular consequence: missense variant.
Genome position (GRCh38, 1-based): chr16:23,629,743, G>A on the plus strand (C>T on the coding strand, the complement: PALB2 is on the minus strand). VCF-style: chr16-23629743-G-A. GRCh37 (hg19) VCF-style: chr16-23641064-G-A.
Other names: short protein forms S804F.
Identifiers: ClinVar variation 418604 (VCV000418604.22), dbSNP rs149836639, ClinGen allele CA7963582.

ClinVar aggregate classification (germline): Conflicting classifications of pathogenicity. Review status: criteria provided, conflicting classifications (1 of 4 stars). 7 submissions from 7 submitters: Uncertain significance (6); Likely benign (1). Last evaluated 2025-10-06.

Conditions:
Hereditary cancer-predisposing syndrome. Also called: Tumor predisposition; Neoplastic Syndromes, Hereditary; Hereditary Cancer Syndrome; Hereditary neoplastic syndrome. Identifiers: Orphanet 140162, MedGen C0027672, MeSH D009386, MONDO:0015356.
Fanconi anemia complementation group N. Also called: PALB2-Related Fanconi Anemia. Identifiers: Orphanet 84, MedGen C1835817, MONDO:0012565, OMIM 610832. Disease mechanism: loss of function.
Familial cancer of breast. Also called: Hereditary breast cancer; BREAST CANCER, FAMILIAL; hereditary breast carcinoma. Identifiers: Orphanet 227535, MedGen C0346153, MONDO:0016419, OMIM 114480. Disease mechanism: loss of function.
Pancreatic cancer, susceptibility to, 3. Identifiers: Orphanet 1333, MedGen C3150547, MONDO:0013236, OMIM 613348.

Allele frequency attached by ClinVar (database versions not stated): ESP Exome Variant Server 0.00008; TOPMed below 0.00001; gnomAD 0.00001.
gnomAD v4.1: 3 of 1,614,098 alleles (0.00019%); highest among the groups gnomAD compares: African/African-American, 0.0013%; no homozygotes.

Submissions (7):

Labcorp Genetics (formerly Invitae), Labcorp
Classification: Uncertain significance for Familial cancer of breast. Last evaluated: 2025-10-06. Review status: criteria provided, single submitter. Criteria: Invitae Variant Classification Sherloc (09022015). Collection method: clinical testing. Allele origin: germline.
Comment: This sequence change replaces serine, which is neutral and polar, with phenylalanine, which is neutral and non-polar, at codon 804 of the PALB2 protein (p.Ser804Phe). This variant is present in population databases (rs149836639, gnomAD 0.0009%). This missense change has been observed in individual(s) with ovarian cancer (PMID: 26315354). ClinVar contains an entry for this variant (Variation ID: 418604). Invitae Evidence Modeling of protein sequence and biophysical properties (such as structural, functional, and spatial information, amino acid conservation, physicochemical variation, residue mobility, and thermodynamic stability) has been performed for this missense variant. However, the output from this modeling did not meet the statistical confidence thresholds required to predict the impact of this variant on PALB2 protein function. In summary, the available evidence is currently insufficient to determine the role of this variant in disease. Therefore, it has been classified as a Variant of Uncertain Significance.

Color Diagnostics, LLC DBA Color Health
Classification: Uncertain significance for Hereditary cancer-predisposing syndrome. Last evaluated: 2025-02-03. Review status: criteria provided, single submitter. Criteria: ACMG Guidelines, 2015. Collection method: clinical testing. Allele origin: germline.
Comment: This missense variant replaces serine with phenylalanine at codon 804 of the PALB2 protein. Computational prediction suggests that this variant may not impact protein structure and function. To our knowledge, functional studies have not been reported for this variant. This variant has been reported in an individual affected with ovarian cancer (PMID: 26315354) and in an ovarian cancer case-control study in 1/6115 unaffected controls and absent in 6385 cases (PMID: 32546565). This variant also has been detected in a breast cancer case-control meta-analysis in 2/60466 cases and 1/53461 unaffected individuals (PMID: 33471991; Leiden Open Variation Database DB-ID PALB2_010900). This variant has been identified in 1/251462 chromosomes in the general population by the Genome Aggregation Database (gnomAD). The available evidence is insufficient to determine the role of this variant in disease conclusively. Therefore, this variant is classified as a Variant of Uncertain Significance.

Ambry Genetics
Classification: Likely benign for Hereditary cancer-predisposing syndrome. Last evaluated: 2024-01-15. Review status: criteria provided, single submitter. Criteria: Ambry Variant Classification Scheme 2023. Collection method: clinical testing. Allele origin: germline.

Baylor Genetics
Classification: Uncertain significance for Familial cancer of breast. Last evaluated: 2023-08-20. Review status: criteria provided, single submitter. Criteria: ACMG Guidelines, 2015. Collection method: clinical testing. Allele origin: unknown.

Quest Diagnostics Nichols Institute San Juan Capistrano
Classification: Uncertain significance. Last evaluated: 2022-09-10. Review status: criteria provided, single submitter. Criteria: Quest Diagnostics criteria. Collection method: clinical testing. Allele origin: unknown.
Comment: The frequency of this variant in the general population, 0.000004 (1/251462 chromosomes), is uninformative in assessment of its pathogenicity. In the published literature, the variant has been reported in individuals with breast cancer (PMID: 33471991 (2021), see also LOVD), epithelial ovarian cancer (PMID: 26315354 (2015)), as well as healthy controls (PMIDs: 32546565 (2021), and 33471991 (2021), See also LOVD). Analysis of this variant using bioinformatics tools for the prediction of the effect of amino acid changes on protein structure and function yielded conflicting predictions that this variant is benign or damaging. Based on the available information, we are unable to determine the clinical significance of this variant.

Fulgent Genetics
Classification: Uncertain significance for Familial cancer of breast; Fanconi anemia complementation group N; Pancreatic cancer, susceptibility to, 3. Last evaluated: 2022-05-05. Review status: criteria provided, single submitter. Criteria: ACMG Guidelines, 2015. Collection method: clinical testing. Allele origin: unknown.

GeneDx
Classification: Uncertain significance. Last evaluated: 2017-02-03. Review status: criteria provided, single submitter. Criteria: GeneDx Variant Classification (06012015). Collection method: clinical testing. Allele origin: germline. Affected: yes.
Comment: This variant is denoted PALB2 c.2411C>T at the cDNA level, p.Ser804Phe (S804F) at the protein level, and results in the change of a Serine to a Phenylalanine (TCT>TTT). This variant has been observed in at least one individual with ovarian cancer (Ramus 2015). PALB2 Ser804Phe was not observed at a significant allele frequency in the NHLBI Exome Sequencing Project. Since Serine and Phenylalanine differ in polarity, charge, size or other properties, this is considered a non-conservative amino acid substitution. PALB2 Ser804Phe occurs at a position that is not conserved and is located in a region required for interaction with POLH and POLH DNA synthesis stimulation (UniProt). In silico analyses are inconsistent regarding the effect this variant may have on protein structure and function. Based on currently available evidence, it is unclear whether PALB2 Ser804Phe is a pathogenic or benign variant. We consider it to be a variant of uncertain significance.

Literature cited by the submitters: PubMed 26315354 (cited by 4 submitters); PubMed 32546565 (cited by 3 submitters); PubMed 33471991 (cited by Color Diagnostics, LLC DBA Color Health and Quest Diagnostics Nichols Institute San Juan Capistrano).